The following is an entry in ClinVar:

ClinVar aggregate classification (germline): Uncertain significance (1 of 4 stars; one submission).

Conditions:
Ehlers-Danlos syndrome, type 4 (EDSVASC). Also called: Ehlers-Danlos syndrome vascular type; Ehlers Danlos syndrome, ecchymotic type; Ehlers Danlos syndrome, arterial type; Ehlers Danlos syndrome, Sack-Barabas type; Ehlers-Danlos Syndrome Type IV. Identifiers: Orphanet 286, MedGen C0268338, MONDO:0017314, OMIM 130050.

Submission:

All of Us Research Program, National Institutes of Health
Classification: Uncertain significance for Ehlers-Danlos syndrome, type 4. Last evaluated: 2024-09-23. Review status: criteria provided, single submitter. Criteria: ACMG Guidelines, 2015. Collection method: clinical testing. Allele origin: germline. Inheritance: Autosomal dominant inheritance. Observed: 2 variant alleles, 2 heterozygotes.
Comment: This missense variant replaces proline with histidine at codon 619 of the COL3A1 protein. Computational prediction is inconclusive regarding the impact of this variant on protein structure and function (internally defined REVEL score threshold 0.5 < inconclusive < 0.7, PMID: 27666373). To our knowledge, functional studies have not been reported for this variant. This variant has not been reported in individuals affected with COL3A1-related disorders in the literature. This variant has not been identified in the general population by the Genome Aggregation Database (gnomAD). The available evidence is insufficient to determine the role of this variant in disease conclusively. Therefore, this variant is classified as a Variant of Uncertain Significance.

This study involves interpretation of variants in research participants for the purpose of population health screening. Participant phenotype was not available at the time of variant classification. Additional details can be found in publication PMID: 35346344, PMCID: PMC8962531

NM_000090.4(COL3A1):c.1856C>A (p.Pro619His)

Gene: COL3A1 (collagen type III alpha 1 chain; plus strand). Cytogenetic location: 2q32.2.
Variant type: single nucleotide variant.
Coding change: c.1856C>A on transcript NM_000090.4 (MANE Select); coding-DNA position 1856, C replaced by A.
Protein change: p.Pro619His; replaces proline 619 with histidine.
Molecular consequence: missense variant.
Genome position (GRCh38, 1-based): chr2:188,997,376, C>A. VCF-style: chr2-188997376-C-A. GRCh37 (hg19) VCF-style: chr2-189862102-C-A.
Other names: short protein forms P619H.
Identifiers: ClinVar variation 3386457 (VCV003386457.1).